The following is an entry in ClinVar:

ClinVar aggregate classification (germline): Uncertain significance. Review status: criteria provided, multiple submitters, no conflicts (2 of 4 stars). 2 submissions from 2 submitters: Uncertain significance (2). Last evaluated 2025-10-24.

Conditions:
Primary ciliary dyskinesia. Also called: Ciliary dyskinesia. Identifiers: Orphanet 244, MedGen C0008780, MONDO:0016575, HP:0012265.

gnomAD v4.1: 2 of 1,613,938 alleles (0.00012%); highest among the groups gnomAD compares: Non-Finnish European, 0.00017%; no homozygotes.

Submissions (2):

Ambry Genetics
Classification: Uncertain significance for Primary ciliary dyskinesia. Last evaluated: 2025-10-24. Review status: criteria provided, single submitter. Criteria: Ambry Variant Classification Scheme 2023. Collection method: clinical testing. Allele origin: germline.

Labcorp Genetics (formerly Invitae), Labcorp
Classification: Uncertain significance for Primary ciliary dyskinesia. Last evaluated: 2024-06-05. Review status: criteria provided, single submitter. Criteria: Invitae Variant Classification Sherloc (09022015). Collection method: clinical testing. Allele origin: germline.
Comment: This sequence change replaces glycine, which is neutral and non-polar, with arginine, which is basic and polar, at codon 4051 of the DNAH11 protein (p.Gly4051Arg). This variant is not present in population databases (gnomAD no frequency). This variant has not been reported in the literature in individuals affected with DNAH11-related conditions. Advanced modeling of protein sequence and biophysical properties (such as structural, functional, and spatial information, amino acid conservation, physicochemical variation, residue mobility, and thermodynamic stability) performed at Invitae indicates that this missense variant is not expected to disrupt DNAH11 protein function with a negative predictive value of 95%. In summary, the available evidence is currently insufficient to determine the role of this variant in disease. Therefore, it has been classified as a Variant of Uncertain Significance.

NM_001277115.2(DNAH11):c.12151G>C (p.Gly4051Arg)

Gene: DNAH11 (dynein axonemal heavy chain 11; plus strand). Cytogenetic location: 7p15.3.
Variant type: single nucleotide variant.
Coding change: c.12151G>C on transcript NM_001277115.2 (MANE Select); coding-DNA position 12151, G replaced by C.
Protein change: p.Gly4051Arg; replaces glycine 4051 with arginine.
Molecular consequence: missense variant.
Genome position (GRCh38, 1-based): chr7:21,873,457, G>C. VCF-style: chr7-21873457-G-C. GRCh37 (hg19) VCF-style: chr7-21913075-G-C.
Other names: c.12151G>C (NM_001277115.1); short protein forms G4051R.
Identifiers: ClinVar variation 3714758 (VCV003714758.2).